The following is an entry in ClinVar:

ClinVar aggregate classification (germline): Pathogenic. Review status: criteria provided, multiple submitters, no conflicts (2 of 4 stars). 2 submissions from 2 submitters: Pathogenic (2). Last evaluated 2022-05-04.

Conditions:
Optic atrophy 5 (OPA5). Identifiers: Orphanet 98673, MedGen C1853139, MONDO:0012543, OMIM 610708.

Submissions (2):

Mendelics
Classification: Pathogenic for Optic atrophy 5. Last evaluated: 2022-05-04. Review status: criteria provided, single submitter. Criteria: Mendelics Assertion Criteria 2019. Collection method: clinical testing. Allele origin: germline.

GeneDx
Classification: Pathogenic. Last evaluated: 2020-07-08. Review status: criteria provided, single submitter. Criteria: GeneDx Variant Classification Process June 2021. Collection method: clinical testing. Allele origin: germline. Affected: yes.
Comment: Published functional studies demonstrate a dominant-negative effect (Whitley et al., 2018); Not observed in large population cohorts (Lek et al., 2016); In silico analysis supports that this missense variant has a deleterious effect on protein structure/function; This variant is associated with the following publications: (PMID: 30085106)

NM_012062.5(DNM1L):c.1292G>A (p.Cys431Tyr)

Gene: DNM1L (dynamin 1 like; plus strand). Cytogenetic location: 12p11.21.
Variant type: single nucleotide variant.
Coding change: c.1292G>A on transcript NM_012062.5 (MANE Select); coding-DNA position 1292, G replaced by A.
Protein change: p.Cys431Tyr; replaces cysteine 431 with tyrosine.
Molecular consequence: missense variant.
Genome position (GRCh38, 1-based): chr12:32,731,447, G>A. VCF-style: chr12-32731447-G-A. GRCh37 (hg19) VCF-style: chr12-32884381-G-A.
Other names: c.1292G>A, p.Cys431Tyr (NM_001278463.2, NM_005690.5, NM_012063.4); c.1331G>A, p.Cys444Tyr (NM_001278464.2, NM_001278465.2, NM_001330380.2); c.683G>A, p.Cys228Tyr (NM_001278466.2); short protein forms C431Y, C444Y, C228Y.
Identifiers: ClinVar variation 420713 (VCV000420713.4), dbSNP rs1064794656, ClinGen allele CA16619510.